The following is an entry in ClinVar:

NM_001367534.1(CAMK2G):c.173_174del (p.Leu58fs)

Gene: CAMK2G (calcium/calmodulin dependent protein kinase II gamma; minus strand). Cytogenetic location: 10q22.2.
Variant type: Deletion.
Coding change: c.173_174del on transcript NM_001367534.1 (MANE Select); coding-DNA positions 173 to 174, 2 bases deleted (TA; older notation c.173_174delTA).
Protein change: p.Leu58fs; shifts the reading frame from leucine 58.
Molecular consequence: frameshift variant. On other transcripts: 5 prime UTR variant (6), non-coding transcript variant (8).
Genome position (GRCh38, 1-based): chr10:73,860,876-73,860,877, TA deleted on the plus strand (TA on the coding strand, the reverse complement: CAMK2G is on the minus strand). VCF-style (leftmost placement, unchanged base first): chr10-73860875-CTA-C. GRCh37 (hg19) VCF-style: chr10-75620633-CTA-C.
Other names: c.173_174delTA (NM_001367534.1); c.173_174del, p.Leu58fs (NM_001204492.2, NM_001222.4, NM_001320898.2 and 28 more transcripts); c.149_150del, p.Leu50fs (NM_001367514.1, NM_001367525.1, NM_001367532.1); c.-19_-18del (NM_001367524.1, NM_001367537.1, NM_001367538.1 and 1 more transcripts); c.-399_-398del (NM_001367540.1); c.-581_-580del (NM_001367542.1); short protein forms L50fs, L58fs.
Identifiers: ClinVar variation 4690251 (VCV004690251.1).
Genomic context (GRCh38, chr10:73,860,875, plus strand): 5'-TGCCCAGGCACTCACCGATGTTTGGATGTTTCAGAAGTCGACATATCCGAGCCTCACGTT[CTA>C]GTTTCTGGTGATCTAAAAGCAGAAGAGAAAAAACAAAAGCCATCAACCATCCATTCTCCT-3'

ClinVar aggregate classification (germline): Likely pathogenic (1 of 4 stars; one submission).

Conditions:
Intellectual developmental disorder 59. Also called: INTELLECTUAL DEVELOPMENTAL DISORDER, AUTOSOMAL DOMINANT 59; MENTAL RETARDATION, AUTOSOMAL DOMINANT 59. Identifiers: MedGen C5193190, MONDO:0032795, OMIM 618522.

Submission:

Translational Cytogenomics Research Unit, Bambino Gesu Children Hospital
Classification: Likely pathogenic for Intellectual developmental disorder 59. Last evaluated: 2026-01-08. Review status: criteria provided, single submitter. Criteria: ACMG Guidelines, 2015. Collection method: clinical testing. Allele origin: de novo. Affected: yes.
Comment: PVS1 and PM2 criteria were applied. Although the variant is de novo, the absence of detailed clinical information ( Clinical phenotype, suspected arthrogryposis) prevents confident application of PS2. Based on the available evidence, the variant was classified as Likely Pathogenic